The following is an entry in ClinVar:

NM_003803.4(MYOM1):c.3207G>A (p.Pro1069=)

Gene: MYOM1 (myomesin 1; minus strand). Cytogenetic location: 18p11.31.
Variant type: single nucleotide variant.
Coding change: c.3207G>A on transcript NM_003803.4 (MANE Select); coding-DNA position 3207, G replaced by A.
Protein change: p.Pro1069=; no amino-acid change (proline 1069 retained).
Molecular consequence: synonymous variant.
Genome position (GRCh38, 1-based): chr18:3,116,427, C>T on the plus strand (G>A on the coding strand, the complement: MYOM1 is on the minus strand). VCF-style: chr18-3116427-C-T. GRCh37 (hg19) VCF-style: chr18-3116425-C-T.
Other names: c.2919G>A, p.Pro973= (NM_019856.2).
Identifiers: ClinVar variation 416043 (VCV000416043.15), dbSNP rs367633441, ClinGen allele CA8874380.
Genomic context (GRCh38, chr18:3,116,427, plus strand): 5'-CCCTCGCCACTGGTCTTCTTTGGCCTTGGCCTCCTTCAAGTCCACGAAGTAACCAGTGAC[C>T]GGAGTCCGCCCGGAGTGGACTGGCGGCTTCCACTGGAGAACCAGTGAGTCTTTCCTGACT-3'
Protein context (NP_003794.3, residues 1059-1079): WKPPVHSGRT[Pro1069=]VTGYFVDLKE

ClinVar aggregate classification (germline): Benign/Likely benign. Review status: criteria provided, multiple submitters, no conflicts (2 of 4 stars). 3 submissions from 3 submitters: Benign (1); Likely benign (1). 1 of the submissions does not count toward it. Last evaluated 2025-12-21.

Conditions:
MYOM1-related disorder.
Hypertrophic cardiomyopathy. Also called: HYPERTROPHIC MYOCARDIOPATHY. Identifiers: Orphanet 217569, MedGen C0007194, MeSH D002312, MONDO:0005045, HP:0001639.

Allele frequency attached by ClinVar (database versions not stated): gnomAD exomes 0.00008 and 0.00013; ExAC 0.00016; gnomAD 0.00058 and 0.00063; TOPMed 0.00071; ESP Exome Variant Server 0.00083.
gnomAD v4.1: 214 of 1,613,588 alleles (0.013%); highest among the groups gnomAD compares: African/African-American, 0.23%; 2 homozygotes.

Submissions (3):

Labcorp Genetics (formerly Invitae), Labcorp
Classification: Benign for Hypertrophic cardiomyopathy. Last evaluated: 2025-12-21. Review status: criteria provided, single submitter. Criteria: Invitae Variant Classification Sherloc (09022015). Collection method: clinical testing. Allele origin: germline.

Ambry Genetics
Classification: Likely benign. Last evaluated: 2022-04-03. Review status: criteria provided, single submitter. Criteria: Ambry Variant Classification Scheme 2023. Collection method: clinical testing. Allele origin: germline.

PreventionGenetics, part of Exact Sciences
Classification: Likely benign for MYOM1-related condition. Last evaluated: 2021-01-04. Review status: no assertion criteria provided. Collection method: clinical testing. Allele origin: germline. Not counted in ClinVar's aggregate classification.
Comment: This variant is classified as likely benign based on ACMG/AMP sequence variant interpretation guidelines (Richards et al. 2015 PMID: 25741868, with internal and published modifications).